The following is an entry in ClinVar:

NM_012470.4(TNPO3):c.185T>G (p.Phe62Cys)

Gene: TNPO3 (transportin 3; minus strand). Cytogenetic location: 7q32.1.
Variant type: single nucleotide variant.
Coding change: c.185T>G on transcript NM_012470.4 (MANE Select); coding-DNA position 185, T replaced by G.
Protein change: p.Phe62Cys; replaces phenylalanine 62 with cysteine.
Molecular consequence: missense variant. On other transcripts: non-coding transcript variant (18).
Genome position (GRCh38, 1-based): chr7:129,018,093, A>C on the plus strand (T>G on the coding strand, the complement: TNPO3 is on the minus strand). VCF-style: chr7-129018093-A-C. GRCh37 (hg19) VCF-style: chr7-128658147-A-C.
Other names: c.185T>G, p.Phe62Cys (NM_001382223.1, NM_001191028.3, NM_001382216.1 and 6 more transcripts); short protein forms F62C.
Identifiers: ClinVar variation 2000849 (VCV002000849.4), dbSNP rs2536429531, ClinGen allele CA369248966.

ClinVar aggregate classification (germline): Uncertain significance (1 of 4 stars; one submission).

Conditions:
Autosomal dominant limb-girdle muscular dystrophy type 1F (LGMDD2). Also called: Limb-girdle muscular dystrophy, type 1F; MUSCULAR DYSTROPHY, LIMB-GIRDLE, AUTOSOMAL DOMINANT 2. Identifiers: Orphanet 55595, MedGen C1842062, MONDO:0012034, OMIM 608423.

Submission:

Labcorp Genetics (formerly Invitae), Labcorp
Classification: Uncertain significance for Autosomal dominant limb-girdle muscular dystrophy type 1F. Last evaluated: 2022-06-07. Review status: criteria provided, single submitter. Criteria: Invitae Variant Classification Sherloc (09022015). Collection method: clinical testing. Allele origin: germline.
Comment: This sequence change replaces phenylalanine, which is neutral and non-polar, with cysteine, which is neutral and slightly polar, at codon 62 of the TNPO3 protein (p.Phe62Cys). This variant is not present in population databases (gnomAD no frequency). This variant has not been reported in the literature in individuals affected with TNPO3-related conditions. Algorithms developed to predict the effect of missense changes on protein structure and function (SIFT, PolyPhen-2, Align-GVGD) all suggest that this variant is likely to be disruptive. In summary, the available evidence is currently insufficient to determine the role of this variant in disease. Therefore, it has been classified as a Variant of Uncertain Significance.